The following is an entry in ClinVar:

NM_020822.3(KCNT1):c.711C>G (p.Pro237=)

Gene: KCNT1 (potassium sodium-activated channel subfamily T member 1; plus strand). Cytogenetic location: 9q34.3.
Variant type: single nucleotide variant.
Coding change: c.711C>G on transcript NM_020822.3 (MANE Select); coding-DNA position 711, C replaced by G.
Protein change: p.Pro237=; no amino-acid change (proline 237 retained).
Molecular consequence: synonymous variant.
Genome position (GRCh38, 1-based): chr9:135,757,333, C>G. VCF-style: chr9-135757333-C-G. GRCh37 (hg19) VCF-style: chr9-138649179-C-G.
Other names: p.Pro237=; c.567C>G, p.Pro189= (NM_001272003.2).
Identifiers: ClinVar variation 129367 (VCV000129367.23), dbSNP rs117286274, ClinGen allele CA153322.

ClinVar aggregate classification (germline): Benign/Likely benign. Review status: criteria provided, multiple submitters, no conflicts (2 of 4 stars). 8 submissions from 7 submitters: Benign (6); Likely benign (2). Last evaluated 2026-02-03.

Conditions:
Inborn genetic diseases. Identifiers: MedGen C0950123, MeSH D030342.
Developmental and epileptic encephalopathy, 14 (DEE14). Also called: Early infantile epileptic encephalopathy 14. Identifiers: Orphanet 293181, MedGen C3554195, MONDO:0013989, OMIM 614959.
Autosomal dominant nocturnal frontal lobe epilepsy 5. Also called: Epilepsy, nocturnal frontal lobe, 5; KCNT1-Related Epilepsy; CILIARY DYSKINESIA, PRIMARY, 28, WITHOUT SITUS INVERSUS; CILIARY DYSKINESIA, PRIMARY, 28, WITH SITUS INVERSUS. Identifiers: Orphanet 98784, MedGen C3554306, MONDO:0014002, OMIM 615005.

Allele frequency attached by ClinVar (database versions not stated): 1000 Genomes Project 30x 0.00593; TOPMed 0.01101; 1000 Genomes Project 0.00499; ESP Exome Variant Server 0.01099.
gnomAD v4.1: 26,922 of 1,611,700 alleles (1.7%); highest among the groups gnomAD compares: Non-Finnish European, 2%; 287 homozygotes.

Submissions (8):

Labcorp Genetics (formerly Invitae), Labcorp
Classification: Benign for Autosomal dominant nocturnal frontal lobe epilepsy 5; Developmental and epileptic encephalopathy, 14. Last evaluated: 2026-02-03. Review status: criteria provided, single submitter. Criteria: Invitae Variant Classification Sherloc (09022015). Collection method: clinical testing. Allele origin: germline.

Genome-Nilou Lab
Classification: Likely benign for Developmental and epileptic encephalopathy, 14. Last evaluated: 2022-03-15. Review status: criteria provided, single submitter. Criteria: ACMG Guidelines, 2015. Collection method: clinical testing. Allele origin: germline. Affected: no.

Genome-Nilou Lab
Classification: Likely benign for Autosomal dominant nocturnal frontal lobe epilepsy 5. Last evaluated: 2022-03-15. Review status: criteria provided, single submitter. Criteria: ACMG Guidelines, 2015. Collection method: clinical testing. Allele origin: germline. Affected: no.

Mayo Clinic Laboratories, Mayo Clinic
Classification: Benign. Last evaluated: 2019-06-04. Review status: criteria provided, single submitter. Criteria: ACMG Guidelines, 2015. Collection method: clinical testing. Allele origin: germline. Observed: 15 variant alleles.

Ambry Genetics
Classification: Benign for Inborn genetic diseases. Last evaluated: 2016-06-08. Review status: criteria provided, single submitter. Criteria: Ambry Variant Classification Scheme 2023. Collection method: clinical testing. Allele origin: germline.

GeneDx
Classification: Benign. Last evaluated: 2016-01-13. Review status: criteria provided, single submitter. Criteria: GeneDx Variant Classification (06012015). Collection method: clinical testing. Allele origin: germline. Affected: yes.
Comment: This variant is considered likely benign or benign based on one or more of the following criteria: it is a conservative change, it occurs at a poorly conserved position in the protein, it is predicted to be benign by multiple in silico algorithms, and/or has population frequency not consistent with disease.

Genetic Services Laboratory, University of Chicago
Classification: Benign for AllHighlyPenetrant. Last evaluated: 2013-08-27. Review status: criteria provided, single submitter. Criteria: ACMG Guidelines, 2007. Collection method: clinical testing. Allele origin: germline. Inheritance: Autosomal dominant inheritance.

Breakthrough Genomics
Classification: Benign. Review status: criteria provided, single submitter. Criteria: ACMG Guidelines, 2015. Collection method: not provided. Allele origin: germline. Inheritance: Autosomal dominant inheritance. Affected: yes.